The following is an entry in ClinVar:

ClinVar aggregate classification (germline): Uncertain significance. Review status: criteria provided, multiple submitters, no conflicts (2 of 4 stars). 3 submissions from 3 submitters: Uncertain significance (2). 1 of the submissions does not count toward it. Last evaluated 2024-06-20.

Conditions:
Alpha thalassemia-X-linked intellectual disability syndrome (ATRX). Also called: ATR-X syndrome; Alpha thalassemia mental retardation syndrome, nondeletion type, X-linked; XLMR hypotonic face syndrome; ALPHA-THALASSEMIA/IMPAIRED INTELLECTUAL DEVELOPMENT SYNDROME, X-LINKED; ALPHA-THALASSEMIA/MENTAL RETARDATION SYNDROME, X-LINKED; ATR, NONDELETION TYPE. Identifiers: Orphanet 847, MedGen C1845055, MONDO:0010519, OMIM 301040.

Submissions (3):

Revvity Omics, Revvity
Classification: Uncertain significance. Last evaluated: 2024-06-20. Review status: criteria provided, single submitter. Criteria: ACMG Guidelines, 2015. Collection method: clinical testing. Allele origin: germline.

Labcorp Genetics (formerly Invitae), Labcorp
Classification: Uncertain significance for Alpha thalassemia-X-linked intellectual disability syndrome. Last evaluated: 2022-06-13. Review status: criteria provided, single submitter. Criteria: Invitae Variant Classification Sherloc (09022015). Collection method: clinical testing. Allele origin: germline.
Comment: This sequence change replaces arginine, which is basic and polar, with glycine, which is neutral and non-polar, at codon 1554 of the ATRX protein (p.Arg1554Gly). This variant is not present in population databases (gnomAD no frequency). This variant has not been reported in the literature in individuals affected with ATRX-related conditions. ClinVar contains an entry for this variant (Variation ID: 841696). Algorithms developed to predict the effect of missense changes on protein structure and function (SIFT, PolyPhen-2, Align-GVGD) all suggest that this variant is likely to be disruptive. In summary, the available evidence is currently insufficient to determine the role of this variant in disease. Therefore, it has been classified as a Variant of Uncertain Significance.

Natera, Inc.
Classification: Uncertain significance for X-linked alpha-thalassemia-mental retardation syndrome. Last evaluated: 2021-09-14. Review status: no assertion criteria provided. Collection method: clinical testing. Allele origin: germline. Not counted in ClinVar's aggregate classification.

NM_000489.6(ATRX):c.4660A>G (p.Arg1554Gly)

Gene: ATRX (ATRX chromatin remodeler; minus strand). Cytogenetic location: Xq21.1.
Variant type: single nucleotide variant.
Coding change: c.4660A>G on transcript NM_000489.6 (MANE Select); coding-DNA position 4660, A replaced by G.
Protein change: p.Arg1554Gly; replaces arginine 1554 with glycine.
Molecular consequence: missense variant.
Genome position (GRCh38, 1-based): chrX:77,635,954, T>C on the plus strand (A>G on the coding strand, the complement: ATRX is on the minus strand). VCF-style: chrX-77635954-T-C. GRCh37 (hg19) VCF-style: chrX-76891445-T-C.
Other names: c.4546A>G, p.Arg1516Gly (NM_138270.5); c.4660A>G (NM_000489.5); short protein forms R1554G, R1516G.
Identifiers: ClinVar variation 841696 (VCV000841696.12), dbSNP rs2068328911, ClinGen allele CA413705712.
Genomic context (GRCh38, chrX:77,635,954, plus strand): 5'-AATCATCTAATAGTTTCTTACCATCTACTTGATGGGGTTTCAATTTGATAACCATATTTC[T>C]ATGAACCTGCACTAAAGGTTCTTTGGTTTCTTCATCTTCATCTAAAACCAACTTGGTTGT-3'
Protein context (NP_000480.3, residues 1544-1564): ETKEPLVQVH[Arg1554Gly]NMVIKLKPHQ